The following is an entry in ClinVar:

ClinVar aggregate classification (germline): Pathogenic. Review status: criteria provided, single submitter (1 of 4 stars). 2 submissions from 2 submitters: Pathogenic (1). 1 of the submissions does not count toward it. Last evaluated 2024-03-16.

Conditions:
Fibrous dysplasia of jaw (CRBM). Also called: Cherubism. Identifiers: Orphanet 184, MedGen C0008029, MONDO:0007315, OMIM 118400.

Submissions (2):

Labcorp Genetics (formerly Invitae), Labcorp
Classification: Pathogenic for Fibrous dysplasia of jaw. Last evaluated: 2024-03-16. Review status: criteria provided, single submitter. Criteria: Invitae Variant Classification Sherloc (09022015). Collection method: clinical testing. Allele origin: germline.
Comment: This sequence change replaces arginine, which is basic and polar, with proline, which is neutral and non-polar, at codon 415 of the SH3BP2 protein (p.Arg415Pro). This variant is not present in population databases (gnomAD no frequency). This missense change has been observed in individual(s) with cherubism (PMID: 11381256, 19576004, 28721660). It has also been observed to segregate with disease in related individuals. ClinVar contains an entry for this variant (Variation ID: 7550). An algorithm developed to predict the effect of missense changes on protein structure and function (PolyPhen-2) suggests that this variant is likely to be disruptive. Experimental studies have shown that this missense change affects SH3BP2 function (PMID: 22153077). This variant disrupts the p.Arg415 amino acid residue in SH3BP2. Other variant(s) that disrupt this residue have been determined to be pathogenic (PMID: 11381256, 21045962, 22795151, 24382142, 24608212, 26064398, 28644570; 30236129)). This suggests that this residue is clinically significant, and that variants that disrupt this residue are likely to be disease-causing. For these reasons, this variant has been classified as Pathogenic.

OMIM
Classification: Pathogenic for CHERUBISM. Last evaluated: 2001-06-01. Review status: no assertion criteria provided. Collection method: literature only. Allele origin: germline. Not counted in ClinVar's aggregate classification.

Literature cited by the submitters: PubMed 11381256 (cited by Labcorp Genetics (formerly Invitae), Labcorp and OMIM); PubMed 19576004 (cited by Labcorp Genetics (formerly Invitae), Labcorp); PubMed 28721660 (cited by Labcorp Genetics (formerly Invitae), Labcorp); PubMed 22153077 (cited by Labcorp Genetics (formerly Invitae), Labcorp); PubMed 21045962 (cited by Labcorp Genetics (formerly Invitae), Labcorp); PubMed 22795151 (cited by Labcorp Genetics (formerly Invitae), Labcorp); PubMed 24382142 (cited by Labcorp Genetics (formerly Invitae), Labcorp); PubMed 24608212 (cited by Labcorp Genetics (formerly Invitae), Labcorp); PubMed 26064398 (cited by Labcorp Genetics (formerly Invitae), Labcorp); PubMed 28644570 (cited by Labcorp Genetics (formerly Invitae), Labcorp); PubMed 30236129 (cited by Labcorp Genetics (formerly Invitae), Labcorp).

NM_001122681.2(SH3BP2):c.1244G>C (p.Arg415Pro)

Gene: SH3BP2 (SH3 domain binding protein 2; plus strand). Cytogenetic location: 4p16.3.
Variant type: single nucleotide variant.
Coding change: c.1244G>C on transcript NM_001122681.2 (MANE Select); coding-DNA position 1244, G replaced by C.
Protein change: p.Arg415Pro; replaces arginine 415 with proline.
Molecular consequence: missense variant.
Genome position (GRCh38, 1-based): chr4:2,831,573, G>C. VCF-style: chr4-2831573-G-C. GRCh37 (hg19) VCF-style: chr4-2833300-G-C.
Other names: c.1328G>C, p.Arg443Pro (NM_001145855.2, LRG_1334t2); c.1415G>C, p.Arg472Pro (NM_001145856.2); c.1244G>C, p.Arg415Pro (NM_003023.4, LRG_1334t1); short protein forms R415P, R443P, R472P.
Identifiers: ClinVar variation 7550 (VCV000007550.3), dbSNP rs121909149, ClinGen allele CA254209.
Genomic context (GRCh38, chr4:2,831,573, plus strand): 5'-GTGGCCGCCCCGTGTCTGACAGTGAAATGGTCCTGCCTTCCTCTCCCTGCCCCTCCAGGC[G>C]ATCACCCCCCGATGGGCAGAGTTTCAGGAGCTTCTCCTTTGAAAAGCCCCGGCAACCCTC-3'
Protein context (NP_001116153.1, residues 405-425): PEKPQLPHLQ[Arg415Pro]SPPDGQSFRS